The following is an entry in ClinVar:

NM_001271.4(CHD2):c.3640G>A (p.Gly1214Arg)

Gene: CHD2 (chromodomain helicase DNA binding protein 2; plus strand). Cytogenetic location: 15q26.1.
Variant type: single nucleotide variant.
Coding change: c.3640G>A on transcript NM_001271.4 (MANE Select); coding-DNA position 3640, G replaced by A.
Protein change: p.Gly1214Arg; replaces glycine 1214 with arginine.
Molecular consequence: missense variant.
Genome position (GRCh38, 1-based): chr15:92,997,001, G>A. VCF-style: chr15-92997001-G-A. GRCh37 (hg19) VCF-style: chr15-93540231-G-A.
Other names: short protein forms G1214R.
Identifiers: ClinVar variation 637993 (VCV000637993.2), dbSNP rs1596446980, ClinGen allele CA393897733.

ClinVar aggregate classification (germline): Uncertain significance. Review status: criteria provided, multiple submitters, no conflicts (2 of 4 stars). 2 submissions from 2 submitters: Uncertain significance (2). Last evaluated 2025-05-01.

Conditions:
Developmental and epileptic encephalopathy 94 (DEE94). Also called: CHD2-Related Neurodevelopmental Disorders; Epileptic encephalopathy, childhood-onset. Identifiers: Orphanet 1942, Orphanet 2382, MedGen C3809278, MONDO:0014150, OMIM 615369.

Allele frequency attached by ClinVar (database versions not stated): gnomAD exomes 0.00001.
gnomAD v4.1: 9 of 1,613,436 alleles (0.00056%); highest among the groups gnomAD compares: African/African-American, 0.0013%; no homozygotes.

Submissions (2):

GeneDx
Classification: Uncertain significance. Last evaluated: 2025-05-01. Review status: criteria provided, single submitter. Criteria: GeneDx Variant Classification Process June 2021. Collection method: clinical testing. Allele origin: germline. Affected: yes.
Comment: Not observed at significant frequency in large population cohorts (gnomAD); In silico analysis supports that this missense variant has a deleterious effect on protein structure/function; Has not been previously published as pathogenic or benign to our knowledge

MVZ Martinsried, Medicover Genetics
Classification: Uncertain significance for Developmental and epileptic encephalopathy 94. Last evaluated: 2019-01-30. Review status: criteria provided, single submitter. Criteria: ACMG Guidelines, 2015. Collection method: clinical testing. Allele origin: unknown. Affected: yes.